The following is an entry in ClinVar:

ClinVar aggregate classification (germline): Likely pathogenic. Review status: criteria provided, multiple submitters, no conflicts (2 of 4 stars). 4 submissions from 4 submitters: Likely pathogenic (4). Last evaluated 2024-08-12.

Conditions:
Dilated cardiomyopathy 1G (CMD1G). Identifiers: Orphanet 154, MedGen C1858763, MONDO:0011400, OMIM 604145.
Autosomal recessive limb-girdle muscular dystrophy type 2J (LGMDR10). Also called: MUSCULAR DYSTROPHY, LIMB-GIRDLE, AUTOSOMAL RECESSIVE 10; Limb-girdle muscular dystrophy, type 2J. Identifiers: Orphanet 140922, MedGen C1837342, MONDO:0012127, OMIM 608807.
Cardiovascular phenotype. Identifiers: MedGen CN230736.

Submissions (4):

Ambry Genetics
Classification: Likely pathogenic for Cardiovascular phenotype. Last evaluated: 2024-08-12. Review status: criteria provided, single submitter. Criteria: Ambry Variant Classification Scheme 2023. Collection method: clinical testing. Allele origin: germline.
Comment: The p.Y17885* variant (also known as c.53655C>G), located in coding exon 153 of the TTN gene, results from a C to G substitution at nucleotide position 53655. This changes the amino acid from a tyrosine to a stop codon within coding exon 153. This exon is located in the A-band region of the N2-B isoform of the titin protein and is constitutively expressed in TTN transcripts (percent spliced in or PSI 100%). This variant, referred to as c.80850C>G p.Y26950*, was reported to occur in trans with another TTN variant in a case from a congenital titinopathy cohort (Oates EC et al. Ann Neurol, 2018 Jun;83:1105-1124. This variant is considered to be rare based on population cohorts in the Genome Aggregation Database (gnomAD). This alteration is expected to result in loss of function by premature protein truncation or nonsense-mediated mRNA decay. While truncating variants in TTN are present in 1-3% of the general population, truncating variants in the A-band are the most common cause of dilated cardiomyopathy (DCM) (Herman DS et al. N. Engl. J. Med., 2012 Feb;366:619-28; Roberts AM et al. Sci Transl Med, 2015 Jan;7:270ra6). TTN truncating variants encoded in constitutive exons (PSI >90%) have been found to be significantly associated with DCM regardless of their position in titin (Schafer S et al. Nat. Genet., 2017 01;49:46-53). Based on the majority of available evidence to date, this variant is likely to be pathogenic.

Labcorp Genetics (formerly Invitae), Labcorp
Classification: Likely pathogenic for Dilated cardiomyopathy 1G; Autosomal recessive limb-girdle muscular dystrophy type 2J. Last evaluated: 2020-03-09. Review status: criteria provided, single submitter. Criteria: Invitae Variant Classification Sherloc (09022015). Collection method: clinical testing. Allele origin: germline.
Comment: In summary, the currently available evidence indicates that the variant is pathogenic, but additional data are needed to prove that conclusively. Therefore, this variant has been classified as Likely Pathogenic. This variant is found in the A-band of this gene. While this particular variant has not been reported in the literature, truncating variants in the A-band of TTN are significantly overrepresented in patients with dilated cardiomyopathy and are considered to be likely pathogenic for the disease (PMID: 25589632). Truncating variants in TTN have also been reported in individuals affected with autosomal recessive centronuclear myopathy (PMID: 23975875). ClinVar contains an entry for this variant (Variation ID: 202412). This variant is not present in population databases (ExAC no frequency). This sequence change results in a premature translational stop signal in the TTN gene (p.Tyr26950*). While this is not anticipated to result in nonsense mediated decay, it is expected to delete the last 9042 amino acids of the TTN protein.

Eurofins Ntd Llc (ga)
Classification: Likely pathogenic. Last evaluated: 2015-12-17. Review status: criteria provided, single submitter. Criteria: EGL Classification Definitions 2015. Collection method: clinical testing. Allele origin: germline. Observed: 2 variant alleles, 2 heterozygotes.

GeneDx
Classification: Likely pathogenic. Last evaluated: 2012-09-24. Review status: criteria provided, single submitter. Criteria: GeneDx Variant Classification (06012015). Collection method: clinical testing. Allele origin: germline. Affected: yes.
Comment: p.Tyr24382Stop (TAC>TAG):c.73146 C>G in exon 275 of the TTN gene (NM_133378.4). The Tyr24382Stop variant in the TTN gene has not been reported as a disease-causing mutation or as benign polymorphism to our knowledge. Tyr24382Stop is predicted to cause loss of normal protein function either by protein truncation or nonsense-mediated mRNA decay. In addition, the NHLBI ESP Exome Variant Server reports Tyr24382Stop was not observed in approximately 6000 samples from individuals of European and African American backgrounds, indicating it is not a common benign variant in these populations. Tyr24382Stop is located in the immunoglobulin domain of the A-band in the TTN protein. Although other nonsense mutations in the TTN gene have been published in association with DCM, there are no nonsense mutations reported near Tyr24382Stop in the TTN gene. In summary, Tyr24382Stop in the TTN gene is a good candidate for a disease-causing mutation. The variant is found in DCM panel(s).

Literature cited by the submitters: PubMed 29691892 (cited by Ambry Genetics); PubMed 25589632 (cited by Labcorp Genetics (formerly Invitae), Labcorp); PubMed 23975875 (cited by Labcorp Genetics (formerly Invitae), Labcorp).

NM_001267550.2(TTN):c.80850C>G (p.Tyr26950Ter)

Genes: TTN (titin; minus strand), TTN-AS1 (TTN antisense RNA 1; plus strand). Cytogenetic location: 2q31.2.
Variant type: single nucleotide variant.
Coding change: c.80850C>G on transcript NM_001267550.2 (MANE Select); coding-DNA position 80850, C replaced by G.
Protein change: p.Tyr26950Ter; replaces tyrosine 26950 with a stop codon.
Molecular consequence: nonsense.
Genome position (GRCh38, 1-based): chr2:178,565,282, G>C on the plus strand (C>G on the coding strand, the complement: TTN is on the minus strand). VCF-style: chr2-178565282-G-C. GRCh37 (hg19) VCF-style: chr2-179430009-G-C.
Other names: p.Y24382*:TAC>TAG; c.75927C>G, p.Tyr25309Ter (NM_001256850.1); c.53655C>G, p.Tyr17885Ter (NM_003319.4); c.73146C>G, p.Tyr24382Ter (NM_133378.4); c.54030C>G, p.Tyr18010Ter (NM_133432.3); c.54231C>G, p.Tyr18077Ter (NM_133437.4); short protein forms Y24382*, Y26950*, Y25309*, Y17885*, Y18077*, Y18010*.
Identifiers: ClinVar variation 202412 (VCV000202412.20), dbSNP rs794729291, ClinGen allele CA309333.
Genomic context (GRCh38, chr2:178,565,282, plus strand): 5'-TAAAACGATAACACTGAGATTTTCTGTTGCTGTGCCTGCACTATTTGTTGCCGTTACGGT[G>C]TATTTTCCAAAGTCATCTTTGTTACCTTCTTTAATGTGCAAAACAGTTGAGGTAGCTGTT-3'